The following is an entry in ClinVar:

NC_000002.11:g.(?_26414119)_(26462031_?)del

Gene: HADHA (hydroxyacyl-CoA dehydrogenase trifunctional multienzyme complex subunit alpha; minus strand). Cytogenetic location: 2p23.3.
Variant type: Deletion.
Identifiers: ClinVar variation 2422549 (VCV002422549.8).

ClinVar aggregate classification (germline): Pathogenic (1 of 4 stars; one submission).

Conditions:
Mitochondrial trifunctional protein deficiency. Identifiers: Orphanet 746, MedGen C1969443, MONDO:0012172.
Long chain 3-hydroxyacyl-CoA dehydrogenase deficiency. Also called: Deficiency of long-chain 3-hydroxyacyl-coenzyme A dehydrogenase; LCHAD Deficiency. Identifiers: Orphanet 5, MedGen C3711645, MONDO:0012173, OMIM 609016.

Submission:

Labcorp Genetics (formerly Invitae), Labcorp
Classification: Pathogenic for Mitochondrial trifunctional protein deficiency; Long chain 3-hydroxyacyl-CoA dehydrogenase deficiency. Last evaluated: 2022-05-06. Review status: criteria provided, single submitter. Criteria: Invitae Variant Classification Sherloc (09022015). Collection method: clinical testing. Allele origin: germline.
Comment: This variant is a gross deletion of the genomic region encompassing exon(s) 2-20 of the HADHA gene, which includes the termination codon. This deletion extends beyond the assayed region for this gene and therefore may encompass additional genes. While this deletion is not anticipated to lead to nonsense mediated decay, it is expected to alter mRNA translation or result in a truncated protein product. This variant has not been reported in the literature in individuals affected with HADHA-related conditions. This variant disrupts a region of the HADHA protein in which other variant(s) (p.Gly703Arg) have been determined to be pathogenic (PMID: 21103935, 26109258). This suggests that this is a clinically significant region of the protein, and that variants that disrupt it are likely to be disease-causing. For these reasons, this variant has been classified as Pathogenic.

Literature cited by the submitters: PubMed 21103935; PubMed 26109258.